The following is an entry in ClinVar:

NM_000140.5(FECH):c.163G>A (p.Gly55Ser)

Gene: FECH (ferrochelatase; minus strand). Cytogenetic location: 18q21.31.
Variant type: single nucleotide variant.
Coding change: c.163G>A on transcript NM_000140.5 (MANE Select); coding-DNA position 163, G replaced by A.
Protein change: p.Gly55Ser; replaces glycine 55 with serine.
Molecular consequence: missense variant. On other transcripts: 5 prime UTR variant (1).
Genome position (GRCh38, 1-based): chr18:57,580,104, C>T on the plus strand (G>A on the coding strand, the complement: FECH is on the minus strand). VCF-style: chr18-57580104-C-T. GRCh37 (hg19) VCF-style: chr18-55247336-C-T.
Other names: c.163G>A, p.Gly55Ser (NM_001012515.4, NM_001371094.1, NM_001374778.1); c.-54G>A (NM_001371095.1); c.163G>A (NM_000140.3); short protein forms G55S.
Identifiers: ClinVar variation 1599190 (VCV001599190.11), dbSNP rs3848519, ClinGen allele CA8973304.

ClinVar aggregate classification (germline): Benign/Likely benign. Review status: criteria provided, multiple submitters, no conflicts (2 of 4 stars). 3 submissions from 3 submitters: Benign (1); Likely benign (1). 1 of the submissions does not count toward it. Last evaluated 2026-02-04.

Conditions:
FECH-related disorder. Also called: FECH-related condition.

Allele frequency attached by ClinVar (database versions not stated): 1000 Genomes Project 0.00300; 1000 Genomes Project 30x 0.00312.
gnomAD v4.1: 783 of 1,613,984 alleles (0.049%); highest among the groups gnomAD compares: African/African-American, 0.92%; 5 homozygotes.

Submissions (3):

Labcorp Genetics (formerly Invitae), Labcorp
Classification: Benign. Last evaluated: 2026-02-04. Review status: criteria provided, single submitter. Criteria: Invitae Variant Classification Sherloc (09022015). Collection method: clinical testing. Allele origin: germline.

Blueprint Genetics
Classification: Likely benign. Last evaluated: 2024-05-02. Review status: criteria provided, single submitter. Criteria: ACMG Guidelines, 2015. Collection method: clinical testing. Allele origin: germline.

PreventionGenetics, part of Exact Sciences
Classification: Benign for FECH-related condition. Last evaluated: 2019-12-03. Review status: no assertion criteria provided. Collection method: clinical testing. Allele origin: germline. Not counted in ClinVar's aggregate classification.
Comment: This variant is classified as benign based on ACMG/AMP sequence variant interpretation guidelines (Richards et al. 2015 PMID: 25741868, with internal and published modifications).